The following is an entry in ClinVar:

NM_002890.3(RASA1):c.2998G>C (p.Glu1000Gln)

Genes: CCNH (cyclin H; minus strand), RASA1 (RAS p21 protein activator 1; plus strand). Cytogenetic location: 5q14.3.
Variant type: single nucleotide variant.
Coding change: c.2998G>C on transcript NM_002890.3 (MANE Select); coding-DNA position 2998, G replaced by C.
Protein change: p.Glu1000Gln; replaces glutamic acid 1000 with glutamine.
Molecular consequence: missense variant. On other transcripts: intron variant (1).
Genome position (GRCh38, 1-based): chr5:87,389,465, G>C. VCF-style: chr5-87389465-G-C. GRCh37 (hg19) VCF-style: chr5-86685282-G-C.
Other names: c.2467G>C, p.Glu823Gln (NM_022650.3); c.933+5579C>G (NM_001364075.2); short protein forms E1000Q, E823Q.
Identifiers: ClinVar variation 3896675 (VCV003896675.2).
Genomic context (GRCh38, chr5:87,389,465, plus strand): 5'-CTTCCGGACACTACAGAGCATTCTAGAACGGACCTGTCCCGTGATTTAGCAGCATTGCAT[G>C]AGATTTGCGTGGCTCATTCAGATGAACTTCGAACGCTCAGTAATGAGCGTGGTGCACAGC-3'
Protein context (NP_002881.1, residues 990-1010): DLSRDLAALH[Glu1000Gln]ICVAHSDELR

ClinVar aggregate classification (germline): Uncertain significance (1 of 4 stars; one submission).

Submission:

Women's Health and Genetics/Laboratory Corporation of America, LabCorp
Classification: Uncertain significance. Last evaluated: 2025-04-23. Review status: criteria provided, single submitter. Criteria: LabCorp Variant Classification Summary - May 2015. Collection method: clinical testing. Allele origin: germline.
Comment: Variant summary: RASA1 c.2998G>C (p.Glu1000Gln) results in a conservative amino acid change in the encoded protein sequence. Four of five in-silico tools predict a benign effect of the variant on protein function. The variant was absent in 250956 control chromosomes. The available data on variant occurrences in the general population are insufficient to allow any conclusion about variant significance. To our knowledge, no occurrence of c.2998G>C in individuals affected with Capillary Malformation-Arteriovenous Malformation 1 and no experimental evidence demonstrating its impact on protein function have been reported. No submitters have cited clinical-significance assessments for this variant to ClinVar. Based on the evidence outlined above, the variant was classified as uncertain significance.